The following is an entry in ClinVar:

ClinVar aggregate classification (germline): Uncertain significance (1 of 4 stars; one submission).

Conditions:
Hypercholesterolemia, autosomal dominant, 3 (FHCL3). Also called: Familial Hypercholesterolemia, Autosomal Dominant, 3; PCSK9-Related Familial Hypercholesterolemia, Autosomal Dominant; Familial hypercholesterolemia 3. Identifiers: MedGen C1863551, MONDO:0011369, OMIM 603776.

Submission:

All of Us Research Program, National Institutes of Health
Classification: Uncertain significance for Hypercholesterolemia, autosomal dominant, 3. Last evaluated: 2023-10-30. Review status: criteria provided, single submitter. Criteria: ACMG Guidelines, 2015. Collection method: clinical testing. Allele origin: germline. Inheritance: Autosomal dominant inheritance. Observed: 1 variant allele, 1 heterozygote.
Comment: This study involves interpretation of variants in research participants for the purpose of population health screening. Participant phenotype was not available at the time of variant classification. Additional details can be found in publication PMID: 35346344, PMCID: PMC8962531

NM_174936.4(PCSK9):c.1989_2000del (p.Thr664_Thr667del)

Gene: PCSK9 (proprotein convertase subtilisin/kexin type 9; plus strand). Cytogenetic location: 1p32.3.
Variant type: Deletion.
Coding change: c.1989_2000del on transcript NM_174936.4 (MANE Select); coding-DNA positions 1989 to 2000, 12 bases deleted (TACAGGCAGCAC).
Protein change: p.Thr664_Thr667del.
Molecular consequence: inframe deletion. On other transcripts: non-coding transcript variant (8).
Genome position (GRCh38, 1-based): chr1:55,063,494-55,063,505, TACAGGCAGCAC deleted; deleting any 12 consecutive bases within chr1:55,063,488-55,063,505 gives the same sequence; the c. name uses the placement nearest the transcript's 3' end. VCF-style (leftmost placement, unchanged base first): chr1-55063487-TCAGCACTACAGG-T. GRCh37 (hg19) VCF-style: chr1-55529160-TCAGCACTACAGG-T.
Other names: c.2112_2123del, p.Thr705_Thr708del (NM_001407240.1); c.2031_2042del, p.Thr678_Thr681del (NM_001407241.1); c.1992_2003del, p.Thr665_Thr668del (NM_001407242.1); c.1932_1943del, p.Thr645_Thr648del (NM_001407243.1); c.1815_1826del, p.Thr606_Thr609del (NM_001407244.1); c.1797_1808del, p.Thr600_Thr603del (NM_001407245.1); c.1614_1625del, p.Thr539_Thr542del (NM_001407246.1); c.1488_1499del, p.Thr497_Thr500del (NM_001407247.1).
Identifiers: ClinVar variation 3074245 (VCV003074245.1), dbSNP rs2523286963, ClinGen allele CA2825000982.